The following is an entry in ClinVar:

ClinVar aggregate classification (germline): Pathogenic. Review status: criteria provided, multiple submitters, no conflicts (2 of 4 stars). 2 submissions from 2 submitters: Pathogenic (2). Last evaluated 2024-12-17.

Conditions:
Developmental and epileptic encephalopathy, 2 (DEE2). Also called: INFANTILE SPASM SYNDROME, X-LINKED 2; CDKL5 deficiency disorder. Identifiers: Orphanet 1934, Orphanet 3451, Orphanet 505652, MedGen C4750718, MONDO:0010396, OMIM 300672.
CDKL5 disorder. Identifiers: MedGen CN296942, MONDO:0100039.

Submissions (2):

Centre for Population Genomics, CPG
Classification: Pathogenic for CDKL5 disorder. Last evaluated: 2024-12-17. Review status: criteria provided, single submitter. Criteria: McKnight et al. (Hum Mutat. 2022). Collection method: curation. Allele origin: germline. Inheritance: X-linked inheritance.
Comment: This variant has been collected from RettBASE and curated to current modified ACMG/AMP criteria. Based on the classification scheme defined by the ClinGen Rett/Angelman-like Expert Panel for Rett/AS-like Disorders Specifications to the ACMG/AMP Variant Interpretation Guidelines VCEP 3.0, this variant is classified as pathogenic. At least the following criteria are met: Predicted to result in loss of function, and LOF is a known mechanism of disease (PVS1). This variant has been identified as a de novo occurrence in an individual with CDKL5 disorder without confirmation of paternity and maternity (PM6, PMID: 37193389). This variant is absent from gnomAD (PM2_Supporting).

Laboratory of Inherited Metabolic Diseases, Research centre for medical genetics
Classification: Pathogenic for Developmental and epileptic encephalopathy, 2. Last evaluated: 2020-02-14. Review status: criteria provided, single submitter. Criteria: ACMG Guidelines, 2015. Collection method: clinical testing. Allele origin: unknown. Inheritance: X-linked inheritance. Affected: yes.

NM_001323289.2(CDKL5):c.495dup (p.Ala166fs)

Gene: CDKL5 (cyclin dependent kinase like 5; plus strand). Cytogenetic location: Xp22.13.
Variant type: Duplication.
Coding change: c.495dup on transcript NM_001323289.2 (MANE Select); coding-DNA position 495, one base duplicated (T; older notation c.495dupT).
Protein change: p.Ala166fs; shifts the reading frame from alanine 166.
Molecular consequence: frameshift variant.
Genome position (GRCh38, 1-based): chrX:18,584,294, T duplicated. VCF-style (leftmost placement, unchanged base first): chrX-18584293-A-AT. GRCh37 (hg19) VCF-style: chrX-18602413-A-AT.
Other names: NM_001323289.2(CDKL5):c.495dup; p.Ala166fs; c.495dup, p.Ala166fs (NM_001037343.2, NM_003159.3); short protein forms A166fs.
Identifiers: ClinVar variation 870173 (VCV000870173.1), dbSNP rs1925573011, ClinGen allele CA916083854.